The following is an entry in ClinVar:

NM_001127.4(AP1B1):c.1230C>T (p.Ala410=)

Gene: AP1B1 (adaptor related protein complex 1 subunit beta 1; minus strand). Cytogenetic location: 22q12.2.
Variant type: single nucleotide variant.
Coding change: c.1230C>T on transcript NM_001127.4 (MANE Select); coding-DNA position 1230, C replaced by T.
Protein change: p.Ala410=; no amino-acid change (alanine 410 retained).
Molecular consequence: synonymous variant.
Genome position (GRCh38, 1-based): chr22:29,350,076, G>A on the plus strand (C>T on the coding strand, the complement: AP1B1 is on the minus strand). VCF-style: chr22-29350076-G-A. GRCh37 (hg19) VCF-style: chr22-29746065-G-A.
Other names: c.1230C>T, p.Ala410= (NM_001166019.2, NM_001378562.1, NM_001378563.1 and 2 more transcripts); c.1059C>T, p.Ala353= (NM_001378564.1, NM_001378565.1).
Identifiers: ClinVar variation 4981868 (VCV004981868.1).
Genomic context (GRCh38, chr22:29,350,076, plus strand): 5'-TAGGAGGGCGGGCACGCACTTGTTGGGGTACTTGCGGAAGATGTCCTTGATGACCACGAT[G>A]GCCTCCTGGACCACATAGTTGACCTTGGTCTGGATGAGGTCGAGCAGCGTGCTCACACAG-3'
Protein context (NP_001118.3, residues 400-420): QTKVNYVVQE[Ala410=]IVVIKDIFRK

ClinVar aggregate classification (germline): Likely benign (1 of 4 stars; one submission).

Conditions:
AP1B1-related disorder. Also called: AP1B1-related condition.

gnomAD v4.1: 16 of 1,614,178 alleles (0.00099%); highest among the groups gnomAD compares: East Asian, 0.02%; 1 homozygote.

Submission:

PreventionGenetics, part of Exact Sciences
Classification: Likely benign for AP1B1-related condition. Last evaluated: 2026-09-02. Review status: criteria provided, single submitter. Criteria: ACMG Guidelines, 2015. Collection method: clinical testing. Allele origin: germline.
Comment: This variant is classified as likely benign based on ACMG/AMP sequence variant interpretation guidelines (Richards et al. 2015 PMID: 25741868, with internal and published modifications).